The following is an entry in ClinVar:

ClinVar aggregate classification (germline): Conflicting classifications of pathogenicity. Review status: criteria provided, conflicting classifications (1 of 4 stars). 5 submissions from 5 submitters: Uncertain significance (3); Likely benign (2). Last evaluated 2025-03-17.

Conditions:
Developmental delay, hypotonia, musculoskeletal defects, and behavioral abnormalities. Identifiers: MedGen C5562012, MONDO:0859202, OMIM 619595.
Floating-Harbor syndrome (FLHS). Also called: SRCAP-Related Floating-Harbor Syndrome; Short stature with delayed bone age, expressive language delay, a triangular face with a prominent nose and deep-set eyes; Pelletier-Leisti syndrome. Identifiers: Orphanet 2044, MedGen C0729582, MONDO:0007621, OMIM 136140.
Inborn genetic diseases. Identifiers: MedGen C0950123, MeSH D030342.

Allele frequency attached by ClinVar (database versions not stated): ExAC 0.00003; gnomAD 0.00004; gnomAD exomes 0.00005 and 0.00014; TOPMed 0.00005; 1000 Genomes Project 30x 0.00016; 1000 Genomes Project 0.00020.
gnomAD v4.1: 203 of 1,612,824 alleles (0.013%); highest among the groups gnomAD compares: East Asian, 0.025%; no homozygotes.

Submissions (5):

Labcorp Genetics (formerly Invitae), Labcorp
Classification: Uncertain significance. Last evaluated: 2025-03-17. Review status: criteria provided, single submitter. Criteria: Invitae Variant Classification Sherloc (09022015). Collection method: clinical testing. Allele origin: germline.
Comment: This sequence change replaces serine, which is neutral and polar, with leucine, which is neutral and non-polar, at codon 21 of the SRCAP protein (p.Ser21Leu). This variant is present in population databases (rs183497403, gnomAD 0.007%). This variant has not been reported in the literature in individuals affected with SRCAP-related conditions. ClinVar contains an entry for this variant (Variation ID: 197283). Invitae Evidence Modeling of protein sequence and biophysical properties (such as structural, functional, and spatial information, amino acid conservation, physicochemical variation, residue mobility, and thermodynamic stability) indicates that this missense variant is not expected to disrupt SRCAP protein function with a negative predictive value of 80%. In summary, the available evidence is currently insufficient to determine the role of this variant in disease. Therefore, it has been classified as a Variant of Uncertain Significance.

Blueprint Genetics
Classification: Likely benign. Last evaluated: 2024-03-01. Review status: criteria provided, single submitter. Criteria: ACMG Guidelines, 2015. Collection method: clinical testing. Allele origin: germline.

Ambry Genetics
Classification: Likely benign for Inborn genetic diseases. Last evaluated: 2023-04-17. Review status: criteria provided, single submitter. Criteria: Ambry Variant Classification Scheme 2023. Collection method: clinical testing. Allele origin: germline.

Fulgent Genetics
Classification: Uncertain significance for Floating-Harbor syndrome; Developmental delay, hypotonia, musculoskeletal defects, and behavioral abnormalities. Last evaluated: 2022-05-13. Review status: criteria provided, single submitter. Criteria: ACMG Guidelines, 2015. Collection method: clinical testing. Allele origin: unknown.

Eurofins Ntd Llc (ga)
Classification: Uncertain significance. Last evaluated: 2014-12-02. Review status: criteria provided, single submitter. Criteria: EGL Classification Definitions 2015. Collection method: clinical testing. Allele origin: germline. Observed: 1 variant allele, 1 heterozygote.

NM_006662.3(SRCAP):c.62C>T (p.Ser21Leu)

Gene: SRCAP (Snf2 related CREBBP activator protein; plus strand). Cytogenetic location: 16p11.2.
Variant type: single nucleotide variant.
Coding change: c.62C>T on transcript NM_006662.3 (MANE Select); coding-DNA position 62, C replaced by T.
Protein change: p.Ser21Leu; replaces serine 21 with leucine.
Molecular consequence: missense variant.
Genome position (GRCh38, 1-based): chr16:30,704,071, C>T. VCF-style: chr16-30704071-C-T. GRCh37 (hg19) VCF-style: chr16-30715392-C-T.
Other names: c.62C>T (NM_006662.2); short protein forms S21L.
Identifiers: ClinVar variation 197283 (VCV000197283.15), dbSNP rs183497403, ClinGen allele CA245327.